The following is an entry in ClinVar:

ClinVar aggregate classification (germline): Pathogenic. Review status: reviewed by expert panel (3 of 4 stars). 8 submissions from 8 submitters: Pathogenic (1). 7 of the submissions do not count toward it. Last evaluated 2016-09-08.

Conditions:
Hereditary cancer-predisposing syndrome. Also called: Tumor predisposition; Hereditary Cancer Syndrome; Hereditary neoplastic syndrome; Neoplastic Syndromes, Hereditary. Identifiers: Orphanet 140162, MedGen C0027672, MeSH D009386, MONDO:0015356.
Hereditary breast ovarian cancer syndrome. Also called: Hereditary breast and ovarian cancer; Breast and ovarian cancer; BRCA1- and BRCA2-Associated Hereditary Breast and Ovarian Cancer; Hereditary breast and ovarian cancer syndrome; Hereditary breast and ovarian cancer syndrome (HBOC); Hereditary breast and/or ovarian cancer syndrome. Identifiers: Orphanet 145, MedGen C0677776, MeSH D061325, MONDO:0003582. Disease mechanism: loss of function.
Familial cancer of breast. Also called: hereditary breast carcinoma; BREAST CANCER, FAMILIAL; Hereditary breast cancer. Identifiers: Orphanet 227535, MedGen C0346153, MONDO:0016419, OMIM 114480. Disease mechanism: loss of function.
Breast-ovarian cancer, familial, susceptibility to, 2 (BROVCA2). Also called: BRCA2 Hereditary Breast and Ovarian Cancer. Identifiers: Orphanet 145, MedGen C2675520, MONDO:0012933, OMIM 612555. Disease mechanism: loss of function.
Breast carcinoma. Also called: Carcinoma of breast. Identifiers: MedGen C0678222, MONDO:0004989, HP:0003002.

Submissions (8):

Evidence-based Network for the Interpretation of Germline Mutant Alleles (ENIGMA)
Classification: Pathogenic for Breast-ovarian cancer, familial, susceptibility to, 2. Last evaluated: 2016-09-08. Review status: reviewed by expert panel. Criteria: ENIGMA BRCA1/2 Classification Criteria (2015). Collection method: curation. Allele origin: germline.
Comment: Variant allele predicted to encode a truncated non-functional protein.

Labcorp Genetics (formerly Invitae), Labcorp
Classification: Pathogenic for Hereditary breast ovarian cancer syndrome. Last evaluated: 2025-02-15. Review status: criteria provided, single submitter. Criteria: Invitae Variant Classification Sherloc (09022015). Collection method: clinical testing. Allele origin: germline. Not counted in ClinVar's aggregate classification.
Comment: This sequence change creates a premature translational stop signal (p.Gln397*) in the BRCA2 gene. It is expected to result in an absent or disrupted protein product. Loss-of-function variants in BRCA2 are known to be pathogenic (PMID: 20104584). This variant is not present in population databases (gnomAD no frequency). This premature translational stop signal has been observed in individual(s) with BRCA2-related conditions (PMID: 21520333). ClinVar contains an entry for this variant (Variation ID: 236829). For these reasons, this variant has been classified as Pathogenic.

Women's Health and Genetics/Laboratory Corporation of America, LabCorp
Classification: Pathogenic for Hereditary breast ovarian cancer syndrome. Last evaluated: 2023-09-05. Review status: criteria provided, single submitter. Criteria: LabCorp Variant Classification Summary - May 2015. Collection method: clinical testing. Allele origin: germline. Not counted in ClinVar's aggregate classification.
Comment: Variant summary: BRCA2 c.1189C>T (p.Gln397X) results in a premature termination codon, predicted to cause a truncation of the encoded protein or absence of the protein due to nonsense mediated decay, which are commonly known mechanisms for disease. The variant was absent in 250170 control chromosomes. c.1189C>T has been reported in the literature in at least two individuals affected with clinical features of BRCA2-related conditions (e.g., Akcay_2021). The following publication has been ascertained in the context of this evaluation (PMID: 32658311). Seven submitters have cited clinical-significance assessments for this variant to ClinVar after 2014. All submitters classified the variant as pathogenic or likely pathogenic. Based on the evidence outlined above, the variant was classified as pathogenic.

Ambry Genetics
Classification: Pathogenic for Hereditary cancer-predisposing syndrome. Last evaluated: 2021-01-11. Review status: criteria provided, single submitter. Criteria: Ambry Variant Classification Scheme 2023. Collection method: clinical testing. Allele origin: germline. Not counted in ClinVar's aggregate classification.
Comment: The p.Q397* pathogenic mutation (also known as c.1189C>T), located in coding exon 9 of the BRCA2 gene, results from a C to T substitution at nucleotide position 1189. This changes the amino acid from a glutamine to a stop codon within coding exon 9. This alteration has been reported in 1/1197 individuals from Greece, Romania, and Turkey undergoing evaluation for inherited cancer predisposition (Tsaousis GN et al. BMC Cancer, 2019 Jun;19:535). In addition to the clinical data presented in the literature, this alteration is expected to result in loss of function by premature protein truncation or nonsense-mediated mRNA decay. As such, this alteration is interpreted as a disease-causing mutation.

Quest Diagnostics Nichols Institute San Juan Capistrano
Classification: Pathogenic. Last evaluated: 2020-07-10. Review status: criteria provided, single submitter. Criteria: Quest Diagnostics criteria. Collection method: clinical testing. Allele origin: unknown. Not counted in ClinVar's aggregate classification.
Comment: The variant creates a premature nonsense codon, and is therefore predicted to result in the loss of a functional protein. Found in at least one patient with expected phenotype for this gene, and not found in general population data.

GeneKor MSA
Classification: Pathogenic for Hereditary Breast Carcinoma. Last evaluated: 2020-01-01. Review status: criteria provided, single submitter. Criteria: ACMG Guidelines, 2015. Collection method: clinical testing. Allele origin: germline. Affected: yes. Not counted in ClinVar's aggregate classification.
Comment: This variant is a single amino acid change from Glutamine to a premature translational stop signal at codon 397 of the BRCA2 protein. This is expected to result in an absent or disrupted protein product. Truncating variants in BRCA2 are known to be pathogenic (PMID: 20104584). This variant has been described in the international literature in an individual undergoing panel testing for hereditary syndrome (PMID: 31159747). The mutation database ClinVar contains entries for this variant (Variation ID: 236829).

Medical Genetics Laboratory, Umraniye Training and Research Hospital, University of Health Sciences
Classification: Pathogenic for Breast carcinoma. Last evaluated: 2021-08-16. Review status: no assertion criteria provided. Collection method: clinical testing. Allele origin: germline. Affected: yes. Observed: 1 variant allele, 1 heterozygote. Not counted in ClinVar's aggregate classification.
Comment: Invasive Ductal Carcinoma

Counsyl
Classification: Likely pathogenic for Breast-ovarian cancer, familial, susceptibility to, 2. Last evaluated: 2018-04-12. Review status: no assertion criteria provided. Collection method: clinical testing. Allele origin: unknown. Not counted in ClinVar's aggregate classification.

Literature cited by the submitters: PubMed 20104584 (cited by Labcorp Genetics (formerly Invitae), Labcorp); PubMed 21520333 (cited by Labcorp Genetics (formerly Invitae), Labcorp); PubMed 32658311 (cited by Women's Health and Genetics/Laboratory Corporation of America, LabCorp); PubMed 31159747 (cited by Ambry Genetics and Quest Diagnostics Nichols Institute San Juan Capistrano); PubMed 29483665 (cited by Quest Diagnostics Nichols Institute San Juan Capistrano).

NM_000059.4(BRCA2):c.1189C>T (p.Gln397Ter)

Gene: BRCA2 (BRCA2 DNA repair associated; plus strand). Cytogenetic location: 13q13.1.
Variant type: single nucleotide variant.
Coding change: c.1189C>T on transcript NM_000059.4 (MANE Select); coding-DNA position 1189, C replaced by T.
Protein change: p.Gln397Ter; replaces glutamine 397 with a stop codon.
Molecular consequence: nonsense.
Genome position (GRCh38, 1-based): chr13:32,332,667, C>T. VCF-style: chr13-32332667-C-T. GRCh37 (hg19) VCF-style: chr13-32906804-C-T.
Other names: short protein forms Q397*.
Identifiers: ClinVar variation 236829 (VCV000236829.20), dbSNP rs760815829, ClinGen allele CA10583071.
Genomic context (GRCh38, chr13:32,332,667, plus strand): 5'-GAGAGTGGAAGTGACAAAATCTCCAAGGAAGTTGTACCGTCTTTGGCCTGTGAATGGTCT[C>T]AACTAACCCTTTCAGGTCTAAATGGAGCCCAGATGGAGAAAATACCCCTATTGCATATTT-3'